The following is an entry in ClinVar:

NM_001010892.3(RSPH4A):c.563G>A (p.Ser188Asn)

Gene: RSPH4A (radial spoke head component 4A; plus strand). Cytogenetic location: 6q22.1.
Variant type: single nucleotide variant.
Coding change: c.563G>A on transcript NM_001010892.3 (MANE Select); coding-DNA position 563, G replaced by A.
Protein change: p.Ser188Asn; replaces serine 188 with asparagine.
Molecular consequence: missense variant.
Genome position (GRCh38, 1-based): chr6:116,617,186, G>A. VCF-style: chr6-116617186-G-A. GRCh37 (hg19) VCF-style: chr6-116938349-G-A.
Other names: c.563G>A, p.Ser188Asn (NM_001161664.2); short protein forms S188N.
Identifiers: ClinVar variation 579121 (VCV000579121.12), dbSNP rs376372993, ClinGen allele CA3970786.
Genomic context (GRCh38, chr6:116,617,186, plus strand): 5'-ATAACAACGCTAAACAGAAAGAGCTGAGATTTGACGTTTTTCAGGAGGAAGACTCAAACA[G>A]TGACTATGATTTACAGCAGCCGGCGCCTGGGGGCTCTGAAGTGGCCCCCAGCATGCTTGA-3'
Protein context (NP_001010892.1, residues 178-198): FDVFQEEDSN[Ser188Asn]DYDLQQPAPG

ClinVar aggregate classification (germline): Uncertain significance. Review status: criteria provided, multiple submitters, no conflicts (2 of 4 stars). 2 submissions from 2 submitters: Uncertain significance (2). Last evaluated 2019-02-04.

Conditions:
Primary ciliary dyskinesia. Also called: Ciliary dyskinesia. Identifiers: Orphanet 244, MedGen C0008780, MONDO:0016575, HP:0012265.

Allele frequency attached by ClinVar (database versions not stated): ExAC 0.00001; gnomAD 0.00001; TOPMed 0.00003; ESP Exome Variant Server 0.00008.

Submissions (2):

Labcorp Genetics (formerly Invitae), Labcorp
Classification: Uncertain significance for Primary ciliary dyskinesia. Last evaluated: 2019-02-04. Review status: criteria provided, single submitter. Criteria: Invitae Variant Classification Sherloc (09022015). Collection method: clinical testing. Allele origin: germline.
Comment: Algorithms developed to predict the effect of missense changes on protein structure and function are either unavailable or do not agree on the potential impact of this missense change (SIFT: "Tolerated"; PolyPhen-2: "Possibly Damaging"; Align-GVGD: "Class C0"). This sequence change replaces serine with asparagine at codon 188 of the RSPH4A protein (p.Ser188Asn). The serine residue is moderately conserved and there is a small physicochemical difference between serine and asparagine. This variant is present in population databases (rs376372993, ExAC 0.01%). This variant has not been reported in the literature in individuals with RSPH4A-related disease. In summary, the available evidence is currently insufficient to determine the role of this variant in disease. Therefore, it has been classified as a Variant of Uncertain Significance.

Ambry Genetics
Classification: Uncertain significance for Primary ciliary dyskinesia. Last evaluated: 2015-08-04. Review status: criteria provided, single submitter. Criteria: Ambry Variant Classification Scheme 2023. Collection method: clinical testing. Allele origin: germline.
Comment: The p.S188N variant (also known as c.563G>A), located in coding exon 1 of the RSPH4A gene, results from a G to A substitution at nucleotide position 563. The serine at codon 188 is replaced by asparagine, an amino acid with highly similar properties. This variant was previously reported in the SNPDatabase as rs376372993. Based on data from the NHLBI Exome Sequencing Project (ESP), the A allele has an overall frequency of approximately 0.01% (1/13006) total alleles studied and 0.01% (1/8600) European American alleles. This amino acid position is well conserved in available vertebrate species. In addition, this alteration is predicted to be tolerated by in silico analysis. Since supporting evidence is limited at this time, the clinical significance of this variant remains unclear.